The following is an entry in ClinVar:

ClinVar aggregate classification (germline): Uncertain significance (1 of 4 stars; one submission).

Allele frequency attached by ClinVar (database versions not stated): gnomAD exomes below 0.00001; ExAC 0.00001.
gnomAD v4.1: 1 of 1,613,868 alleles (0.000062%); highest among the groups gnomAD compares: Non-Finnish European, 0.000085%; no homozygotes.

Submission:

Labcorp Genetics (formerly Invitae), Labcorp
Classification: Uncertain significance. Last evaluated: 2021-10-27. Review status: criteria provided, single submitter. Criteria: Invitae Variant Classification Sherloc (09022015). Collection method: clinical testing. Allele origin: germline.
Comment: In summary, the available evidence is currently insufficient to determine the role of this variant in disease. Therefore, it has been classified as a Variant of Uncertain Significance. Advanced modeling of protein sequence and biophysical properties (such as structural, functional, and spatial information, amino acid conservation, physicochemical variation, residue mobility, and thermodynamic stability) performed at Invitae indicates that this missense variant is not expected to disrupt MTOR protein function. This variant has not been reported in the literature in individuals affected with MTOR-related conditions. This variant is present in population databases (rs769367158, gnomAD 0.0009%). This sequence change replaces glutamic acid, a(n) acidic and polar amino acid, with aspartic acid, a(n) acidic and polar amino acid, at codon 34 of the MTOR protein (p.Glu34Asp).

NM_004958.4(MTOR):c.102G>C (p.Glu34Asp)

Gene: MTOR (mechanistic target of rapamycin kinase; minus strand). Cytogenetic location: 1p36.22.
Variant type: single nucleotide variant.
Coding change: c.102G>C on transcript NM_004958.4 (MANE Select); coding-DNA position 102, G replaced by C.
Protein change: p.Glu34Asp; replaces glutamic acid 34 with aspartic acid.
Molecular consequence: missense variant. On other transcripts: 5 prime UTR variant (1).
Genome position (GRCh38, 1-based): chr1:11,259,308, C>G on the plus strand (G>C on the coding strand, the complement: MTOR is on the minus strand). VCF-style: chr1-11259308-C-G. GRCh37 (hg19) VCF-style: chr1-11319365-C-G.
Other names: c.102G>C, p.Glu34Asp (NM_001386500.1); c.-1038G>C (NM_001386501.1); short protein forms E34D.
Identifiers: ClinVar variation 1422668 (VCV001422668.6), dbSNP rs769367158, ClinGen allele CA591028.